The following is an entry in ClinVar:

NM_001267550.2(TTN):c.46G>A (p.Val16Met)

Gene: TTN (titin; minus strand). Cytogenetic location: 2q31.2.
Variant type: single nucleotide variant.
Coding change: c.46G>A on transcript NM_001267550.2 (MANE Select); coding-DNA position 46, G replaced by A.
Protein change: p.Val16Met; replaces valine 16 with methionine.
Molecular consequence: missense variant.
Genome position (GRCh38, 1-based): chr2:178,804,597, C>T on the plus strand (G>A on the coding strand, the complement: TTN is on the minus strand). VCF-style: chr2-178804597-C-T. GRCh37 (hg19) VCF-style: chr2-179669324-C-T.
Other names: c.46G>A, p.Val16Met (NM_133378.4, NM_133379.5, NM_133432.3 and 3 more transcripts); short protein forms V16M.
Identifiers: ClinVar variation 1329163 (VCV001329163.10), dbSNP rs756212082, ClinGen allele CA2006444.

ClinVar aggregate classification (germline): Conflicting classifications of pathogenicity. Review status: criteria provided, conflicting classifications (1 of 4 stars). 4 submissions from 4 submitters: Uncertain significance (3); Likely benign (1). Last evaluated 2026-01-01.

Conditions:
Cardiomyopathy (CMYO). Also called: Cardiomyopathies. Identifiers: Orphanet 167848, MedGen C0878544, MONDO:0004994, HP:0001638. Inheritance: Various modes of inheritance.

Allele frequency attached by ClinVar (database versions not stated): ExAC 0.00001; TOPMed 0.00001; gnomAD 0.00002; gnomAD exomes 0.00002.
gnomAD v4.1: 33 of 1,613,916 alleles (0.002%); highest among the groups gnomAD compares: Non-Finnish European, 0.0025%; no homozygotes.

Submissions (4):

CeGaT Center for Human Genetics Tuebingen
Classification: Uncertain significance. Last evaluated: 2026-01-01. Review status: criteria provided, single submitter. Criteria: CeGaT Center For Human Genetics Tuebingen Variant Classification Criteria Version 2. Collection method: clinical testing. Allele origin: germline. Affected: yes. Observed: 1 variant allele.
Comment: TTN: PM2

Blueprint Genetics
Classification: Likely benign. Last evaluated: 2021-07-30. Review status: criteria provided, single submitter. Criteria: ACMG Guidelines, 2015. Collection method: clinical testing. Allele origin: germline.

CHEO Genetics Diagnostic Laboratory, Children's Hospital of Eastern Ontario
Classification: Uncertain significance for Cardiomyopathy. Last evaluated: 2020-04-16. Review status: criteria provided, single submitter. Criteria: ACMG Guidelines, 2015. Collection method: clinical testing. Allele origin: germline.

Revvity Omics, Revvity
Classification: Uncertain significance. Last evaluated: 2019-05-03. Review status: criteria provided, single submitter. Criteria: ACMG Guidelines, 2015. Collection method: clinical testing. Allele origin: germline.